The following is an entry in ClinVar:

NM_000038.6(APC):c.762A>G (p.Ser254=)

Gene: APC (APC regulator of Wnt signaling pathway; plus strand). Cytogenetic location: 5q22.2.
Variant type: single nucleotide variant.
Coding change: c.762A>G on transcript NM_000038.6 (MANE Select); coding-DNA position 762, A replaced by G.
Protein change: p.Ser254=; no amino-acid change (serine 254 retained).
Molecular consequence: synonymous variant. On other transcripts: 5 prime UTR variant (1).
Genome position (GRCh38, 1-based): chr5:112,801,311, A>G. VCF-style: chr5-112801311-A-G. GRCh37 (hg19) VCF-style: chr5-112137008-A-G.
Other names: c.762A>G, p.Ser254= (NM_001127510.3, NM_001354895.2, NM_001354896.2 and 1 more transcripts); c.708A>G, p.Ser236= (NM_001127511.3); c.792A>G, p.Ser264= (NM_001354897.2, NM_001354902.2); c.687A>G, p.Ser229= (NM_001354898.2, NM_001354904.2); c.678A>G, p.Ser226= (NM_001354899.2); c.585A>G, p.Ser195= (NM_001354900.2, NM_001354901.2, NM_001354905.2); c.-274A>G (NM_001354906.2); c.762A>G (NM_000038.5).
Identifiers: ClinVar variation 1609589 (VCV001609589.10), dbSNP rs2149711683, ClinGen allele CA445755621.

ClinVar aggregate classification (germline): Benign/Likely benign. Review status: criteria provided, multiple submitters, no conflicts (2 of 4 stars). 3 submissions from 3 submitters: Benign (1); Likely benign (2). Last evaluated 2026-04-22.

Conditions:
Hereditary cancer-predisposing syndrome. Also called: Hereditary Cancer Syndrome; Neoplastic Syndromes, Hereditary; Hereditary neoplastic syndrome; Tumor predisposition. Identifiers: Orphanet 140162, MedGen C0027672, MeSH D009386, MONDO:0015356.
Familial adenomatous polyposis 1 (FAP1). Also called: FAMILIAL ADENOMATOUS POLYPOSIS 1, ATTENUATED; POLYPOSIS, ADENOMATOUS INTESTINAL. Identifiers: MedGen C2713442, MONDO:0021056, OMIM 175100. Disease mechanism: loss of function.

Submissions (3):

Ambry Genetics
Classification: Likely benign for Hereditary cancer-predisposing syndrome. Last evaluated: 2026-04-22. Review status: criteria provided, single submitter. Criteria: Ambry Variant Classification Scheme 2023. Collection method: clinical testing. Allele origin: germline.

Myriad Genetics, Inc.
Classification: Benign for Familial adenomatous polyposis 1. Last evaluated: 2024-02-26. Review status: criteria provided, single submitter. Criteria: Myriad Autosomal Dominant, Autosomal Recessive and X-Linked Classification Criteria (2023). Collection method: clinical testing. Allele origin: unknown.
Comment: This variant is considered benign. This variant is a silent/synonymous amino acid change and it is not expected to impact splicing.

Labcorp Genetics (formerly Invitae), Labcorp
Classification: Likely benign for Familial adenomatous polyposis 1. Last evaluated: 2021-10-17. Review status: criteria provided, single submitter. Criteria: Invitae Variant Classification Sherloc (09022015). Collection method: clinical testing. Allele origin: germline.